The following is an entry in ClinVar:

NM_000179.3(MSH6):c.1946A>G (p.Asp649Gly)

Gene: MSH6 (mutS homolog 6; plus strand). Cytogenetic location: 2p16.3.
Variant type: single nucleotide variant.
Coding change: c.1946A>G on transcript NM_000179.3 (MANE Select); coding-DNA position 1946, A replaced by G.
Protein change: p.Asp649Gly; replaces aspartic acid 649 with glycine.
Molecular consequence: missense variant.
Genome position (GRCh38, 1-based): chr2:47,799,929, A>G. VCF-style: chr2-47799929-A-G. GRCh37 (hg19) VCF-style: chr2-48027068-A-G.
Other names: c.1556A>G, p.Asp519Gly (NM_001281492.2); c.1040A>G, p.Asp347Gly (NM_001281493.2, NM_001281494.2); short protein forms D649G, D347G, D519G.
Identifiers: ClinVar variation 410524 (VCV000410524.32), dbSNP rs777799551, ClinGen allele CA16610993.
Genomic context (GRCh38, chr2:47,799,929, plus strand): 5'-ATGCATCCAAAACTTTGAGAACTCTCCTTGAGGAAGAATATTTTAGGGAAAAGCTAAGTG[A>G]TGGCATTGGGGTGATGTTACCCCAGGTGCTTAAAGGTATGACTTCAGAGTCTGATTCCAT-3'
Protein context (NP_000170.1, residues 639-659): EEEYFREKLS[Asp649Gly]GIGVMLPQVL

ClinVar aggregate classification (germline): Conflicting classifications of pathogenicity. Review status: criteria provided, conflicting classifications (1 of 4 stars). 10 submissions from 10 submitters: Uncertain significance (9); Benign (1). Last evaluated 2026-05-28.

Conditions:
MSH6-related disorder. Also called: MSH6-related condition; MSH6-Related disorders.
Hereditary nonpolyposis colorectal neoplasms. Identifiers: MedGen C0009405, MeSH D003123.
Hereditary cancer-predisposing syndrome. Also called: Neoplastic Syndromes, Hereditary; Tumor predisposition; Hereditary Cancer Syndrome; Hereditary neoplastic syndrome. Identifiers: Orphanet 140162, MedGen C0027672, MeSH D009386, MONDO:0015356.
Lynch syndrome. Identifiers: Orphanet 144, MedGen C4552100, MONDO:0005835. Disease mechanism: loss of function.

Allele frequency attached by ClinVar (database versions not stated): gnomAD exomes below 0.00001; TOPMed 0.00001.
gnomAD v4.1: 4 of 1,614,084 alleles (0.00025%); highest among the groups gnomAD compares: African/African-American, 0.004%; no homozygotes.

Submissions (10):

PreventionGenetics, part of Exact Sciences
Classification: Uncertain significance for MSH6-related condition. Last evaluated: 2026-05-28. Review status: criteria provided, single submitter. Criteria: ACMG Guidelines, 2015. Collection method: clinical testing. Allele origin: germline.
Comment: The MSH6 c.1946A>G variant is predicted to result in the amino acid substitution p.Asp649Gly. To our knowledge, this variant has not been reported in the literature or in gnomAD, indicating this variant is rare. This variant has conflicting interpretations in ClinVar ranging from uncertain significance to likely benign (Variation ID: 410524). At this time, the clinical significance of this variant is uncertain due to the absence of conclusive functional and genetic evidence.

Women's Health and Genetics/Laboratory Corporation of America, LabCorp
Classification: Uncertain significance. Last evaluated: 2026-03-28. Review status: criteria provided, single submitter. Criteria: LabCorp Variant Classification Summary - May 2015. Collection method: clinical testing. Allele origin: germline.

Labcorp Genetics (formerly Invitae), Labcorp
Classification: Benign for Hereditary nonpolyposis colorectal neoplasms. Last evaluated: 2026-01-26. Review status: criteria provided, single submitter. Criteria: Invitae Variant Classification Sherloc (09022015). Collection method: clinical testing. Allele origin: germline.

Ambry Genetics
Classification: Uncertain significance for Hereditary cancer-predisposing syndrome. Last evaluated: 2025-08-20. Review status: criteria provided, single submitter. Criteria: Ambry Variant Classification Scheme 2023. Collection method: clinical testing. Allele origin: germline.
Comment: The p.D649G variant (also known as c.1946A>G), located in coding exon 4 of the MSH6 gene, results from an A to G substitution at nucleotide position 1946. The aspartic acid at codon 649 is replaced by glycine, an amino acid with similar properties. This amino acid position is poorly conserved in available vertebrate species. In addition, this alteration is predicted to be tolerated by in silico analysis. Since supporting evidence is limited at this time, the clinical significance of this alteration remains unclear.

All of Us Research Program, National Institutes of Health
Classification: Uncertain significance for Lynch syndrome. Last evaluated: 2024-08-13. Review status: criteria provided, single submitter. Criteria: ACMG Guidelines, 2015. Collection method: clinical testing. Allele origin: germline. Inheritance: Autosomal dominant inheritance. Observed: 3 variant alleles, 3 heterozygotes.
Comment: This missense variant replaces aspartic acid with glycine at codon 649 of the MSH6 protein. Computational prediction suggests that this variant may not impact protein structure and function (internally defined REVEL score threshold <= 0.5, PMID: 27666373). To our knowledge, functional studies have not been reported for this variant. This variant has not been reported in individuals affected with MSH6-related disorders in the literature. This variant has not been identified in the general population by the Genome Aggregation Database (gnomAD). The available evidence is insufficient to determine the role of this variant in disease conclusively. Therefore, this variant is classified as a Variant of Uncertain Significance.

This study involves interpretation of variants in research participants for the purpose of population health screening. Participant phenotype was not available at the time of variant classification. Additional details can be found in publication PMID: 35346344, PMCID: PMC8962531

Color Diagnostics, LLC DBA Color Health
Classification: Uncertain significance for Hereditary cancer-predisposing syndrome. Last evaluated: 2023-12-05. Review status: criteria provided, single submitter. Criteria: ACMG Guidelines, 2015. Collection method: clinical testing. Allele origin: germline.
Comment: This missense variant replaces aspartic acid with glycine at codon 649 of the MSH6 protein. Computational prediction suggests that this variant may not impact protein structure and function (internally defined REVEL score threshold <= 0.5, PMID: 27666373). To our knowledge, functional studies have not been reported for this variant. This variant has not been reported in individuals affected with MSH6-related disorders in the literature. This variant has not been identified in the general population by the Genome Aggregation Database (gnomAD). The available evidence is insufficient to determine the role of this variant in disease conclusively. Therefore, this variant is classified as a Variant of Uncertain Significance.

Institute for Biomarker Research, Medical Diagnostic Laboratories, L.L.C.
Classification: Uncertain significance for Hereditary cancer-predisposing syndrome. Last evaluated: 2023-09-26. Review status: criteria provided, single submitter. Criteria: ACMG Guidelines, 2015. Collection method: clinical testing. Allele origin: germline.

Quest Diagnostics Nichols Institute San Juan Capistrano
Classification: Uncertain significance. Last evaluated: 2023-05-07. Review status: criteria provided, single submitter. Criteria: Quest Diagnostics criteria. Collection method: clinical testing. Allele origin: unknown.
Comment: The variant has not been reported in individuals with MSH6-related conditions in the published literature. The frequency of this variant in the general population, 0.000013 (2/152200 chromosomes), is uninformative in assessment of its pathogenicity. Analysis of this variant using bioinformatics tools for the prediction of the effect of amino acid changes on protein structure and function yielded predictions that this variant is benign. Based on the available information, we are unable to determine the clinical significance of this variant.

GeneDx
Classification: Uncertain significance. Last evaluated: 2022-09-01. Review status: criteria provided, single submitter. Criteria: GeneDx Variant Classification Process June 2021. Collection method: clinical testing. Allele origin: germline. Affected: yes.
Comment: Not observed at significant frequency in large population cohorts (gnomAD); In silico analysis supports that this missense variant does not alter protein structure/function; Has not been previously published as pathogenic or benign to our knowledge; This variant is associated with the following publications: (PMID: 17531815, 21120944)

Sema4
Classification: Uncertain significance for Hereditary cancer-predisposing syndrome. Last evaluated: 2022-02-04. Review status: criteria provided, single submitter. Criteria: Sema4 Curation Guidelines. Collection method: curation. Allele origin: germline.
Comment: The MSH6 c.1946A>G (p.D649G) variant has not been reported in the literature to our knowledge. This variant is not reported in the population database Genome Aggregation Database (PMID: 32461654) but has been reported in ClinVar (Variation ID: 410524). Functional studies have not been performed, and in silico predictions of the variant's effect on protein function are inconclusive. The evidence is insufficient to meet ACMG/AMP criteria for classifying the variant as benign or pathogenic. Thus, the clinical significance of this variant is currently uncertain.